The following is an entry in ClinVar:

ClinVar aggregate classification (germline): Uncertain significance (1 of 4 stars; one submission).

gnomAD v4.1: 3 of 1,210,796 alleles (0.00025%); highest among the groups gnomAD compares: South Asian, 0.0018%; no homozygotes.

Submission:

Labcorp Genetics (formerly Invitae), Labcorp
Classification: Uncertain significance. Last evaluated: 2025-04-01. Review status: criteria provided, single submitter. Criteria: Invitae Variant Classification Sherloc (09022015). Collection method: clinical testing. Allele origin: germline.
Comment: This sequence change replaces valine, which is neutral and non-polar, with isoleucine, which is neutral and non-polar, at codon 362 of the CLCN5 protein (p.Val362Ile). This variant is present in population databases (rs782282664, gnomAD 0.001%). This variant has not been reported in the literature in individuals affected with CLCN5-related conditions. Invitae Evidence Modeling of protein sequence and biophysical properties (such as structural, functional, and spatial information, amino acid conservation, physicochemical variation, residue mobility, and thermodynamic stability) indicates that this missense variant is not expected to disrupt CLCN5 protein function with a negative predictive value of 80%. In summary, the available evidence is currently insufficient to determine the role of this variant in disease. Therefore, it has been classified as a Variant of Uncertain Significance.

NM_001127898.4(CLCN5):c.1294G>A (p.Val432Ile)

Gene: CLCN5 (chloride voltage-gated channel 5; plus strand). Cytogenetic location: Xp11.23.
Variant type: single nucleotide variant.
Coding change: c.1294G>A on transcript NM_001127898.4 (MANE Select); coding-DNA position 1294, G replaced by A.
Protein change: p.Val432Ile; replaces valine 432 with isoleucine.
Molecular consequence: missense variant. On other transcripts: non-coding transcript variant (1).
Genome position (GRCh38, 1-based): chrX:50,086,607, G>A. VCF-style: chrX-50086607-G-A. GRCh37 (hg19) VCF-style: chrX-49851264-G-A.
Other names: c.1084G>A, p.Val362Ile (NM_000084.5); c.1294G>A, p.Val432Ile (NM_001127899.4); c.1144G>A, p.Val382Ile (NM_001282163.2); c.1306G>A, p.Val436Ile (NM_001440756.1, NM_001440757.1); short protein forms V382I, V432I, V436I, V362I.
Identifiers: ClinVar variation 4704082 (VCV004704082.1).